The following is an entry in ClinVar:

NM_003924.4(PHOX2B):c.236C>A (p.Ala79Asp)

Genes: PHOX2B (paired like homeobox 2B; minus strand), PHOX2B-AS1 (PHOX2B antisense RNA 1; plus strand). Cytogenetic location: 4p13.
Variant type: single nucleotide variant.
Coding change: c.236C>A on transcript NM_003924.4 (MANE Select); coding-DNA position 236, C replaced by A.
Protein change: p.Ala79Asp; replaces alanine 79 with aspartic acid.
Molecular consequence: missense variant. On other transcripts: non-coding transcript variant (1).
Genome position (GRCh38, 1-based): chr4:41,748,375, G>T on the plus strand (C>A on the coding strand, the complement: PHOX2B is on the minus strand). VCF-style: chr4-41748375-G-T. GRCh37 (hg19) VCF-style: chr4-41750392-G-T.
Other names: short protein forms A79D.
Identifiers: ClinVar variation 5026623 (VCV005026623.1).

ClinVar aggregate classification (germline): Uncertain significance (1 of 4 stars; one submission).

Conditions:
Hereditary cancer-predisposing syndrome. Also called: Neoplastic Syndromes, Hereditary; Tumor predisposition; Hereditary neoplastic syndrome; Hereditary Cancer Syndrome. Identifiers: Orphanet 140162, MedGen C0027672, MeSH D009386, MONDO:0015356.

Submission:

Ambry Genetics
Classification: Uncertain significance for Hereditary cancer-predisposing syndrome. Last evaluated: 2026-07-07. Review status: criteria provided, single submitter. Criteria: Ambry Variant Classification Scheme 2023. Collection method: clinical testing. Allele origin: germline.
Comment: The p.A79D variant (also known as c.236C>A), located in coding exon 1 of the PHOX2B gene, results from a C to A substitution at nucleotide position 236. The alanine at codon 79 is replaced by aspartic acid, an amino acid with dissimilar properties. This amino acid position is conserved. In addition, the in silico prediction for this alteration is inconclusive. Based on the available evidence, the clinical significance of this variant remains unclear.